The following is an entry in ClinVar:

NM_021729.6(VPS11):c.2394G>A (p.Glu798=)

Gene: VPS11 (VPS11 core subunit of CORVET and HOPS complexes; plus strand). Cytogenetic location: 11q23.3.
Variant type: single nucleotide variant.
Coding change: c.2394G>A on transcript NM_021729.6 (MANE Select); coding-DNA position 2394, G replaced by A.
Protein change: p.Glu798=; no amino-acid change (glutamic acid 798 retained).
Molecular consequence: synonymous variant. On other transcripts: non-coding transcript variant (8).
Genome position (GRCh38, 1-based): chr11:119,079,256, G>A. VCF-style: chr11-119079256-G-A. GRCh37 (hg19) VCF-style: chr11-118949966-G-A.
Other names: c.2364G>A, p.Glu788= (NM_001290185.2); c.2406G>A, p.Glu802= (NM_001378218.1, NM_001378219.1); c.2379G>A, p.Glu793= (NM_001378220.1); c.2376G>A, p.Glu792= (NM_001378221.1).
Identifiers: ClinVar variation 712592 (VCV000712592.35), dbSNP rs189842591, ClinGen allele CA6313695.

ClinVar aggregate classification (germline): Likely benign. Review status: criteria provided, multiple submitters, no conflicts (2 of 4 stars). 2 submissions from 2 submitters: Likely benign (2). Last evaluated 2026-09-01.

Allele frequency attached by ClinVar (database versions not stated): 1000 Genomes Project 30x 0.00047; 1000 Genomes Project 0.00060; ESP Exome Variant Server 0.00169; TOPMed 0.00224; gnomAD exomes 0.00233 and 0.00330; gnomAD 0.00260 and 0.00262; ExAC 0.00363.
gnomAD v4.1: 5,186 of 1,606,282 alleles (0.32%); highest among the groups gnomAD compares: Non-Finnish European, 0.4%; 12 homozygotes.

Submissions (2):

CeGaT Center for Human Genetics Tuebingen
Classification: Likely benign. Last evaluated: 2026-09-01. Review status: criteria provided, single submitter. Criteria: CeGaT Center For Human Genetics Tuebingen Variant Classification Criteria Version 2. Collection method: clinical testing. Allele origin: germline. Affected: yes. Observed: 9 variant alleles.
Comment: VPS11: BP4

Labcorp Genetics (formerly Invitae), Labcorp
Classification: Likely benign. Last evaluated: 2026-01-15. Review status: criteria provided, single submitter. Criteria: Invitae Variant Classification Sherloc (09022015). Collection method: clinical testing. Allele origin: germline.